The following is an entry in ClinVar:

NM_000369.5(TSHR):c.*1289A>G

Genes: TSHR (thyroid stimulating hormone receptor; plus strand), TSHR-AS1 (TSHR antisense RNA 1; minus strand). Cytogenetic location: 14q31.1.
Variant type: single nucleotide variant.
Coding change: c.*1289A>G on transcript NM_000369.5 (MANE Select); 1289 bases downstream of the stop codon, A replaced by G.
Molecular consequence: 3 prime UTR variant.
Genome position (GRCh38, 1-based): chr14:81,145,642, A>G. VCF-style: chr14-81145642-A-G. GRCh37 (hg19) VCF-style: chr14-81611986-A-G.
Identifiers: ClinVar variation 314717 (VCV000314717.6), dbSNP rs150122093, ClinGen allele CA10641191.
Genomic context (GRCh38, chr14:81,145,642, plus strand): 5'-TACTTCACTATGAAGAGTCACTTCAAAACACTTCGCTTGTCTTTAGGGATGATTTTTGCC[A>G]TTTCCAGTCCACGGTATGATACTAAAGCTGTCAAGAGAGGTTTCTTCTTTTCTGAAACTG-3'

ClinVar aggregate classification (germline): Benign/Likely benign. Review status: criteria provided, multiple submitters, no conflicts (2 of 4 stars). 3 submissions from 2 submitters: Benign (1); Likely benign (2). Last evaluated 2018-01-12.

Conditions:
Hypothyroidism due to TSH receptor mutations. Also called: HYPOTHYROIDISM DUE TO UNRESPONSIVENESS TO THYROTROPIN; HYPOTHYROIDISM, CONGENITAL, DUE TO TSH RESISTANCE; HYPOTHYROIDISM, NONAUTOIMMUNE; THYROID-STIMULATING HORMONE, RESISTANCE TO; TSH RESISTANCE; Hypothyroidism, congenital, nongoitrous, 1. Identifiers: Orphanet 90673, MedGen C3493776, MONDO:0010142, OMIM 275200.
Familial hyperthyroidism due to mutations in TSH receptor. Also called: HYPERTHYROIDISM, CONGENITAL NONAUTOIMMUNE; HYPERTHYROIDISM, NONAUTOIMMUNE, AUTOSOMAL DOMINANT; TOXIC THYROID HYPERPLASIA, AUTOSOMAL DOMINANT. Identifiers: Orphanet 424, MedGen C1836706, MONDO:0012203, OMIM 609152.

Allele frequency attached by ClinVar (database versions not stated): gnomAD exomes 0.00405; gnomAD 0.01166 and 0.01236; TOPMed 0.01284; 1000 Genomes Project 0.01298; 1000 Genomes Project 30x 0.01390.
gnomAD v4.1: 2,092 of 233,174 alleles (0.9%); highest among the groups gnomAD compares: African/African-American, 3.7%; 37 homozygotes.

Submissions (3):

Illumina Laboratory Services, Illumina
Classification: Benign for Familial hyperthyroidism due to mutations in TSH receptor. Last evaluated: 2018-01-12. Review status: criteria provided, single submitter. Criteria: ICSL Variant Classification Criteria 13 December 2019. Collection method: clinical testing. Allele origin: germline.
Comment: This variant was observed in the ICSL laboratory as part of a predisposition screen in an ostensibly healthy population. It had not been previously curated by ICSL or reported in the Human Gene Mutation Database (HGMD: prior to June 1st, 2018), and was therefore a candidate for classification through an automated scoring system. Utilizing variant allele frequency, disease prevalence and penetrance estimates, and inheritance mode, an automated score was calculated to assess if this variant is too frequent to cause the disease. Based on the score and internal cut-off values, a variant classified as benign is not then subjected to further curation. The score for this variant resulted in a classification of benign for this disease.

Illumina Laboratory Services, Illumina
Classification: Likely benign for Hypothyroidism due to TSH receptor mutations. Last evaluated: 2018-01-12. Review status: criteria provided, single submitter. Criteria: ICSL Variant Classification Criteria 13 December 2019. Collection method: clinical testing. Allele origin: germline.
Comment: This variant was observed in the ICSL laboratory as part of a predisposition screen in an ostensibly healthy population. It had not been previously curated by ICSL or reported in the Human Gene Mutation Database (HGMD: prior to June 1st, 2018), and was therefore a candidate for classification through an automated scoring system. Utilizing variant allele frequency, disease prevalence and penetrance estimates, and inheritance mode, an automated score was calculated to assess if this variant is too frequent to cause the disease. Based on the score and internal cut-off values, a variant classified as likely benign is not then subjected to further curation. The score for this variant resulted in a classification of likely benign for this disease.

Breakthrough Genomics
Classification: Likely benign. Review status: criteria provided, single submitter. Criteria: ACMG Guidelines, 2015. Collection method: not provided. Allele origin: germline. Inheritance: Autosomal recessive inheritance. Affected: yes.